The following is an entry in ClinVar:

ClinVar aggregate classification (germline): Pathogenic. Review status: criteria provided, multiple submitters, no conflicts (2 of 4 stars). 3 submissions from 3 submitters: Pathogenic (3). Last evaluated 2023-05-26.

Conditions:
Hereditary cancer-predisposing syndrome. Also called: Neoplastic Syndromes, Hereditary; Hereditary neoplastic syndrome; Tumor predisposition; Hereditary Cancer Syndrome. Identifiers: Orphanet 140162, MedGen C0027672, MeSH D009386, MONDO:0015356.
Juvenile polyposis syndrome (JPS). Identifiers: Orphanet 2929, MedGen C0345893, MONDO:0017380, OMIM 174900.

Submissions (3):

Myriad Genetics, Inc.
Classification: Pathogenic for Juvenile polyposis syndrome. Last evaluated: 2023-05-26. Review status: criteria provided, single submitter. Criteria: Myriad Autosomal Dominant, Autosomal Recessive and X-Linked Classification Criteria (2023). Collection method: clinical testing. Allele origin: unknown.
Comment: This variant is considered pathogenic. This variant creates a frameshift predicted to result in premature protein truncation.

Ambry Genetics
Classification: Pathogenic for Hereditary cancer-predisposing syndrome. Last evaluated: 2019-03-08. Review status: criteria provided, single submitter. Criteria: Ambry Variant Classification Scheme 2023. Collection method: clinical testing. Allele origin: germline.
Comment: The c.987_992delAGCCCTinsTGTA pathogenic mutation, located in coding exon 8 of the BMPR1A gene, results from the deletion of 6 nucleotides and insertion of 4 nucleotides causing a translational frameshift with a predicted alternate stop codon (p.R329Sfs*4). This alteration is expected to result in loss of function by premature protein truncation or nonsense-mediated mRNA decay. As such, this alteration is interpreted as a disease-causing mutation.

GeneDx
Classification: Pathogenic. Last evaluated: 2017-12-01. Review status: criteria provided, single submitter. Criteria: GeneDx Variant Classification (06012015). Collection method: clinical testing. Allele origin: germline. Affected: yes.
Comment: This combined deletion and insertion is denoted BMPR1A c.987_992delAGCCCTinsTGTA at the cDNA level and p.Arg329SerfsX4 (R329SfsX4) at the protein level. The surrounding sequence is CCAG[delAGCCCT][insTGTA]GCTT. The variant causes a frameshift which changes an Arginine to a Serine at codon 329, and creates a premature stop codon at position 4 of the new reading frame. Although this variant has not, to our knowledge, been reported in the literature, it is predicted to cause loss of normal protein function through either protein truncation or nonsense-mediated mRNA decay. We consider this variant to be pathogenic.

NM_004329.3(BMPR1A):c.987_992delinsTGTA (p.Arg329fs)

Gene: BMPR1A (bone morphogenetic protein receptor type 1A; plus strand). Cytogenetic location: 10q23.2.
Variant type: Indel.
Coding change: c.987_992delinsTGTA on transcript NM_004329.3 (MANE Select); coding-DNA positions 987 to 992, AGCCCT replaced by TGTA.
Protein change: p.Arg329fs; shifts the reading frame from arginine 329.
Molecular consequence: frameshift variant.
Genome position (GRCh38, 1-based): chr10:86,919,290-86,919,295, AGCCCT replaced by TGTA. VCF-style: chr10-86919290-AGCCCT-TGTA. GRCh37 (hg19) VCF-style: chr10-88679047-AGCCCT-TGTA.
Other names: c.987_992delAGCCCTinsTGTA (NM_004329.2); short protein forms R329fs.
Identifiers: ClinVar variation 545847 (VCV000545847.8), dbSNP rs1554891056, ClinGen allele CA658822237.
Genomic context (GRCh38, chr10:86,919,290, plus strand): 5'-TGATTACCATGAAAATGGATCTCTCTATGACTTCCTGAAATGTGCTACACTGGACACCAG[AGCCCT>TGTA]GCTTAAATTGGCTTATTCAGCTGCCTGTGGTCTGTGCCACCTGCACACAGAAATTTATGG-3'